The following is an entry in ClinVar:

NM_005262.3(GFER):c.550C>A (p.Pro184Thr)

Gene: GFER (growth factor, augmenter of liver regeneration; plus strand). Cytogenetic location: 16p13.3.
Variant type: single nucleotide variant.
Coding change: c.550C>A on transcript NM_005262.3 (MANE Select); coding-DNA position 550, C replaced by A.
Protein change: p.Pro184Thr; replaces proline 184 with threonine.
Molecular consequence: missense variant.
Genome position (GRCh38, 1-based): chr16:1,985,960, C>A. VCF-style: chr16-1985960-C-A. GRCh37 (hg19) VCF-style: chr16-2035961-C-A.
Other names: p.P184T:CCT>ACT; short protein forms P184T.
Identifiers: ClinVar variation 214473 (VCV000214473.15), dbSNP rs183638147, ClinGen allele CA323190.
Genomic context (GRCh38, chr16:1,985,960, plus strand): 5'-GCATGCTTCACACAGTGGCTGTGCCACCTGCACAATGAAGTGAACCGCAAGCTGGGCAAG[C>A]CTGACTTCGACTGCTCAAAAGTGGATGAGCGCTGGCGCGACGGCTGGAAGGATGGCTCCT-3'
Protein context (NP_005253.3, residues 174-194): HNEVNRKLGK[Pro184Thr]DFDCSKVDER

ClinVar aggregate classification (germline): Conflicting classifications of pathogenicity. Review status: criteria provided, conflicting classifications (1 of 4 stars). 4 submissions from 4 submitters: Uncertain significance (1); Likely benign (3). Last evaluated 2026-02-03.

Conditions:
GFER-related disorder. Also called: GFER-related condition.
Inborn genetic diseases. Identifiers: MedGen C0950123, MeSH D030342.

Allele frequency attached by ClinVar (database versions not stated): TOPMed 0.00072; gnomAD 0.00076 and 0.00083; gnomAD exomes 0.00006 and 0.00012; ExAC 0.00018; 1000 Genomes Project 0.00040; 1000 Genomes Project 30x 0.00062; ESP Exome Variant Server 0.00069.
gnomAD v4.1: 200 of 1,613,122 alleles (0.012%); highest among the groups gnomAD compares: African/African-American, 0.26%; 1 homozygote.

Submissions (4):

GeneDx
Classification: Uncertain significance. Last evaluated: 2026-02-03. Review status: criteria provided, single submitter. Criteria: GeneDx Variant Classification Process June 2021. Collection method: clinical testing. Allele origin: germline. Affected: yes.
Comment: In silico analysis supports that this missense variant has a deleterious effect on protein structure/function; Has not been previously published as pathogenic or benign to our knowledge

Labcorp Genetics (formerly Invitae), Labcorp
Classification: Likely benign. Last evaluated: 2025-08-24. Review status: criteria provided, single submitter. Criteria: Invitae Variant Classification Sherloc (09022015). Collection method: clinical testing. Allele origin: germline.

PreventionGenetics, part of Exact Sciences
Classification: Likely benign for GFER-related condition. Last evaluated: 2024-10-18. Review status: criteria provided, single submitter. Criteria: ACMG Guidelines, 2015. Collection method: clinical testing. Allele origin: germline.
Comment: This variant is classified as likely benign based on ACMG/AMP sequence variant interpretation guidelines (Richards et al. 2015 PMID: 25741868, with internal and published modifications).

Ambry Genetics
Classification: Likely benign for Inborn genetic diseases. Last evaluated: 2024-04-12. Review status: criteria provided, single submitter. Criteria: Ambry Variant Classification Scheme 2023. Collection method: clinical testing. Allele origin: germline.